The following is an entry in ClinVar:

NM_000715.4(C4BPA):c.1763C>T (p.Ala588Val)

Gene: C4BPA (complement component 4 binding protein alpha; plus strand). Cytogenetic location: 1q32.2.
Variant type: single nucleotide variant.
Coding change: c.1763C>T on transcript NM_000715.4 (MANE Select); coding-DNA position 1763, C replaced by T.
Protein change: p.Ala588Val; replaces alanine 588 with valine.
Molecular consequence: missense variant.
Genome position (GRCh38, 1-based): chr1:207,144,686, C>T. VCF-style: chr1-207144686-C-T. GRCh37 (hg19) VCF-style: chr1-207318031-C-T.
Other names: short protein forms A588V.
Identifiers: ClinVar variation 2395882 (VCV002395882.3), dbSNP rs1489270498, ClinGen allele CA344512099.
Genomic context (GRCh38, chr1:207,144,686, plus strand): 5'-CCCTGGAGGTATATAAGCTGTCTCTGGAAATTGAACAACTGGAACTACAGAGAGACAGCG[C>T]AAGACAATCCACTTTGGATAAAGAACTATAATTTTTCTCAAAAGAAGGAGGAAAAGGTGT-3'
Protein context (NP_000706.1, residues 578-597): IEQLELQRDS[Ala588Val]RQSTLDKEL

ClinVar aggregate classification (germline): Uncertain significance. Review status: criteria provided, multiple submitters, no conflicts (2 of 4 stars). 2 submissions from 2 submitters: Uncertain significance (2). Last evaluated 2024-10-23.

Conditions:
C4BPA-related disorder. Also called: C4BPA-related condition.

Allele frequency attached by ClinVar (database versions not stated): TOPMed 0.00001; gnomAD exomes 0.00002.
gnomAD v4.1: 31 of 1,609,362 alleles (0.0019%); highest among the groups gnomAD compares: Non-Finnish European, 0.0025%; no homozygotes.

Submissions (2):

PreventionGenetics, part of Exact Sciences
Classification: Uncertain significance for C4BPA-related condition. Last evaluated: 2024-10-23. Review status: criteria provided, single submitter. Criteria: ACMG Guidelines, 2015. Collection method: clinical testing. Allele origin: germline.
Comment: The C4BPA c.1763C>T variant is predicted to result in the amino acid substitution p.Ala588Val. To our knowledge, this variant has not been reported in the literature. This variant is reported in 0.00089% of alleles in individuals of European (Non-Finnish) descent in gnomAD. At this time, the clinical significance of this variant is uncertain due to the absence of conclusive functional and genetic evidence.

Ambry Genetics
Classification: Uncertain significance. Last evaluated: 2021-11-12. Review status: criteria provided, single submitter. Criteria: Ambry Variant Classification Scheme 2023. Collection method: clinical testing. Allele origin: germline.